The following is an entry in ClinVar:

NM_001174147.2(LMX1B):c.140-4A>G

Gene: LMX1B (LIM homeobox transcription factor 1 beta; plus strand). Cytogenetic location: 9q33.3.
Variant type: single nucleotide variant.
Coding change: c.140-4A>G on transcript NM_001174147.2 (MANE Select); 4 bases into the intron before coding-DNA position 140, A replaced by G.
Molecular consequence: intron variant.
Genome position (GRCh38, 1-based): chr9:126,615,379, A>G. VCF-style: chr9-126615379-A-G. GRCh37 (hg19) VCF-style: chr9-129377658-A-G.
Other names: c.140-4A>G (NM_001174146.2, NM_002316.4).
Identifiers: ClinVar variation 914083 (VCV000914083.17), dbSNP rs368126014, ClinGen allele CA5242236.

ClinVar aggregate classification (germline): Benign/Likely benign. Review status: criteria provided, multiple submitters, no conflicts (2 of 4 stars). 7 submissions from 7 submitters: Benign (2); Likely benign (3). 2 of the submissions do not count toward it. Last evaluated 2026-07-01.

Conditions:
Nail-patella syndrome (NPS). Also called: FONG DISEASE; TURNER-KIESER SYNDROME; ONYCHOOSTEODYSPLASIA. Identifiers: Orphanet 2614, MedGen C0027341, MONDO:0008061, OMIM 161200.
Nail-patella-like renal disease. Also called: GLOMERULAR BASEMENT MEMBRANE DISEASE, NAIL-PATELLA SYNDROME TYPE; Focal Segmental Glomerulosclerosis 10. Identifiers: Orphanet 2613, MedGen C0403548, MONDO:0009724, OMIM 256020.

Allele frequency attached by ClinVar (database versions not stated): gnomAD exomes 0.00043 and 0.00113; ESP Exome Variant Server 0.00046; gnomAD 0.00046 and 0.00047; ExAC 0.00047; TOPMed 0.00051.
gnomAD v4.1: 1,663 of 1,588,228 alleles (0.1%); highest among the groups gnomAD compares: Non-Finnish European, 0.14%; 2 homozygotes.

Submissions (7):

CeGaT Center for Human Genetics Tuebingen
Classification: Likely benign. Last evaluated: 2026-07-01. Review status: criteria provided, single submitter. Criteria: CeGaT Center For Human Genetics Tuebingen Variant Classification Criteria Version 2. Collection method: clinical testing. Allele origin: germline. Affected: yes. Observed: 1 variant allele.
Comment: LMX1B: BP4, BS1

Labcorp Genetics (formerly Invitae), Labcorp
Classification: Benign. Last evaluated: 2026-01-27. Review status: criteria provided, single submitter. Criteria: Invitae Variant Classification Sherloc (09022015). Collection method: clinical testing. Allele origin: germline.

Blueprint Genetics
Classification: Likely benign. Last evaluated: 2024-11-06. Review status: criteria provided, single submitter. Criteria: ACMG Guidelines, 2015. Collection method: clinical testing. Allele origin: germline.

Fulgent Genetics
Classification: Likely benign for Nail-patella syndrome; Nail-patella-like renal disease. Last evaluated: 2021-09-28. Review status: criteria provided, single submitter. Criteria: ACMG Guidelines, 2015. Collection method: clinical testing. Allele origin: unknown.

Illumina Laboratory Services, Illumina
Classification: Benign for Nail-patella syndrome. Last evaluated: 2018-01-13. Review status: criteria provided, single submitter. Criteria: ICSL Variant Classification Criteria 13 December 2019. Collection method: clinical testing. Allele origin: germline.
Comment: This variant was observed in the ICSL laboratory as part of a predisposition screen in an ostensibly healthy population. It had not been previously curated by ICSL or reported in the Human Gene Mutation Database (HGMD: prior to June 1st, 2018), and was therefore a candidate for classification through an automated scoring system. Utilizing variant allele frequency, disease prevalence and penetrance estimates, and inheritance mode, an automated score was calculated to assess if this variant is too frequent to cause the disease. Based on the score and internal cut-off values, a variant classified as benign is not then subjected to further curation. The score for this variant resulted in a classification of benign for this disease.

Clinical Genetics, Academic Medical Center
Classification: Likely benign. Review status: no assertion criteria provided. Collection method: clinical testing. Allele origin: germline. Affected: yes. Study: VKGL Data-share Consensus. Not counted in ClinVar's aggregate classification.

Genome Diagnostics Laboratory, University Medical Center Utrecht
Classification: Likely benign. Review status: no assertion criteria provided. Collection method: clinical testing. Allele origin: germline. Affected: yes. Study: VKGL Data-share Consensus. Not counted in ClinVar's aggregate classification.